The following is an entry in ClinVar:

ClinVar aggregate classification (germline): Pathogenic/Likely pathogenic. Review status: criteria provided, multiple submitters, no conflicts (2 of 4 stars). 2 submissions from 2 submitters: Pathogenic (1); Likely pathogenic (1). Last evaluated 2026-10-01.

Conditions:
Coffin-Siris syndrome. Identifiers: Orphanet 1465, MedGen C0265338, MONDO:0015452.
Rhabdoid tumor predisposition syndrome 1 (RTPS1). Also called: Familial Posterior Fossa Brain Tumor of Infancy. Identifiers: Orphanet 231108, Orphanet 69077, MedGen C1836327, MONDO:0012252, OMIM 609322.

Submissions (2):

St. Jude Molecular Pathology, St. Jude Children's Research Hospital
Classification: Pathogenic for Rhabdoid tumor predisposition syndrome 1. Last evaluated: 2026-10-01. Review status: criteria provided, single submitter. Criteria: St. Jude Assertion Criteria 2020. Collection method: clinical testing. Allele origin: germline.
Comment: The SMARCB1 c.93+559A>G intronic change results in an A to G substitution at the +559 position of intron 1 of the SMARCB1 gene. This variant is predicted to result in a novel donor site and use of a cryptic acceptor s ite, resulting in a pseudo-exon that introduces a premature stop codon. This variant has been observed in individuals with rhabdoid tumors (PMID: 28722703, 10556283, internal data) where the variant was de novo in at least one individual. In summary, thi s variant meets criteria to be classified as pathogenic.

Department of Pathology and Laboratory Medicine, Sinai Health System
Classification: Likely pathogenic for Coffin-Siris syndrome. Review status: criteria provided, single submitter. Criteria: ACMG Guidelines, 2015. Collection method: clinical testing. Allele origin: germline.

NM_003073.5(SMARCB1):c.93+559A>G

Gene: SMARCB1 (SWI/SNF related BAF chromatin remodeling complex subunit B1; plus strand). Cytogenetic location: 22q11.23.
Variant type: single nucleotide variant.
Coding change: c.93+559A>G on transcript NM_003073.5 (MANE Select); 559 bases into the intron after coding-DNA position 93, A replaced by G.
Molecular consequence: intron variant.
Genome position (GRCh38, 1-based): chr22:23,787,821, A>G. VCF-style: chr22-23787821-A-G. GRCh37 (hg19) VCF-style: chr22-24130008-A-G.
Other names: c.93+559A>G (NM_001362877.2, NM_001317946.2, NM_001007468.3).
Identifiers: ClinVar variation 3780651 (VCV003780651.2).